The following is an entry in ClinVar:

ClinVar aggregate classification (germline): Uncertain significance (1 of 4 stars; one submission).

Submission:

GeneDx
Classification: Uncertain significance. Last evaluated: 2025-02-23. Review status: criteria provided, single submitter. Criteria: GeneDx Variant Classification Process June 2021. Collection method: clinical testing. Allele origin: germline. Affected: yes.
Comment: Not observed at significant frequency in large population cohorts (gnomAD); Nonsense variant predicted to result in protein truncation or nonsense mediated decay in a gene or region of a gene for which loss of function is not a well-established mechanism of disease; Has not been previously published as pathogenic or benign to our knowledge

NM_003070.5(SMARCA2):c.994C>T (p.Gln332Ter)

Gene: SMARCA2 (SWI/SNF related BAF chromatin remodeling complex subunit ATPase 2; plus strand). Cytogenetic location: 9p24.3.
Variant type: single nucleotide variant.
Coding change: c.994C>T on transcript NM_003070.5 (MANE Select); coding-DNA position 994, C replaced by T.
Protein change: p.Gln332Ter; replaces glutamine 332 with a stop codon.
Molecular consequence: nonsense.
Genome position (GRCh38, 1-based): chr9:2,047,432, C>T. VCF-style: chr9-2047432-C-T. GRCh37 (hg19) VCF-style: chr9-2047432-C-T.
Other names: c.994C>T, p.Gln332Ter (NM_001289396.2, NM_001289397.2, NM_139045.4); short protein forms Q332*.
Identifiers: ClinVar variation 4077250 (VCV004077250.1).